The following is an entry in ClinVar:

ClinVar aggregate classification (germline): Pathogenic (3 of 4 stars; one submission).

Conditions:
RPGR-related retinopathy. Also called: RPGR retinopathy. Identifiers: MedGen CN305589, MONDO:0100437.

Submission:

ClinGen X-linked Inherited Retinal Disease Variant Curation Expert Panel, ClinGen
Classification: Pathogenic for RPGR-related retinopathy. Last evaluated: 2025-09-05. Review status: reviewed by expert panel. Criteria: ClinGen X LinkedIRD ACMG Specifications RPGR V1.0.0. Collection method: curation. Allele origin: germline. Inheritance: X-linked inheritance.
Comment: NM_001034853.2(RPGR):c.2311del (p.Glu771ArgfsTer?) is a frameshift variant due to a 1-nucleotide deletion that introduces a premature stop codon within exon 15 of 15 that is predicted to disrupt a critical C-terminal region required for proper glutamylation of RPGR (PVS1, PMID: 36445968). This variant is absent from gnomAD v4.1.0 (PM2_Supporting). The variant has been reported to segregate with retinal dystrophy through at least 2 affected meioses from 1 family (PP1, PMID: 33446141). This variant has been reported in at least 3 apparently unrelated probands meeting one of the PS4 requirements of some functional vision impairment in affected males by age 30 years and/or decreased or absent cone and/or rod electroretinogram responses (PMID: 33446141, PMID: 33576794, PS4_Moderate). In summary, this variant is classified as pathogenic for RPGR-related retinopathy based on the ClinGen X-linked Inherited Retinal Disease Expert Panel Specifications to the ACMG/AMP Variant Interpretation Guidelines for RPGR Version 1.0.0; PVS1, PP1, PS4_Moderate, and PM2_Supporting.

NM_001034853.2(RPGR):c.2311del (p.Glu771fs)

Gene: RPGR (retinitis pigmentosa GTPase regulator; minus strand). Cytogenetic location: Xp11.4.
Variant type: Deletion.
Coding change: c.2311del on transcript NM_001034853.2 (MANE Select); coding-DNA position 2311, one base deleted (G; older notation c.2311delG).
Protein change: p.Glu771fs; shifts the reading frame from glutamic acid 771.
Molecular consequence: frameshift variant. On other transcripts: intron variant (8).
Genome position (GRCh38, 1-based): chrX:38,286,688, C deleted on the plus strand (G on the coding strand, the reverse complement: RPGR is on the minus strand); the first of 2 consecutive C bases (chrX:38,286,688-38,286,689); deleting either gives the same sequence. VCF-style (leftmost placement, unchanged base first): chrX-38286687-TC-T. GRCh37 (hg19) VCF-style: chrX-38145940-TC-T.
Other names: NM_001034853.2:c.2311del; c.1569+4271del (NM_001367249.1, NM_001367250.1); c.1902+406del (NM_001367245.1); c.1386+4271del (NM_001367251.1); c.1719+406del (NM_001367246.1); c.1572+4271del (NM_001367247.1); c.1905+406del (NM_000328.3); c.1602+4271del (NM_001367248.1); short protein forms E771fs.
Identifiers: ClinVar variation 4082177 (VCV004082177.1).